The following is an entry in ClinVar:

ClinVar aggregate classification (germline): Pathogenic (1 of 4 stars; one submission).

Conditions:
Bethlem myopathy 1A. Also called: Bethlem Muscular Dystrophy; MYOPATHY, BENIGN CONGENITAL, WITH CONTRACTURES; Bethlem myopathy 1. Identifiers: Orphanet 610, MedGen CN029274, MONDO:0024530, OMIM 158810.

Submission:

Labcorp Genetics (formerly Invitae), Labcorp
Classification: Pathogenic for Bethlem myopathy 1A. Last evaluated: 2021-09-15. Review status: criteria provided, single submitter. Criteria: Invitae Variant Classification Sherloc (09022015). Collection method: clinical testing. Allele origin: germline.
Comment: For these reasons, this variant has been classified as Pathogenic. Variants that disrupt the consensus splice site are a relatively common cause of aberrant splicing (PMID: 17576681, 9536098). Algorithms developed to predict the effect of sequence changes on RNA splicing suggest that this variant may disrupt the consensus splice site. Algorithms developed to predict the effect of missense changes on protein structure and function are either unavailable or do not agree on the potential impact of this missense change (SIFT: "Tolerated"; PolyPhen-2: "Probably Damaging"; Align-GVGD: "Class C0"). This missense change has been observed in individual(s) with Bethlem myopathy (Invitae). In at least one individual the variant was observed to be de novo. This variant is not present in population databases (ExAC no frequency). This sequence change replaces lysine with asparagine at codon 2052 of the COL6A3 protein (p.Lys2052Asn). The lysine residue is highly conserved and there is a moderate physicochemical difference between lysine and asparagine. This variant also falls at the last nucleotide of exon 15, which is part of the consensus splice site for this exon.

Literature cited by the submitters: PubMed 17576681; PubMed 9536098.

NM_004369.4(COL6A3):c.6156G>T (p.Lys2052Asn)

Gene: COL6A3 (collagen type VI alpha 3 chain; minus strand). Cytogenetic location: 2q37.3.
Variant type: single nucleotide variant.
Coding change: c.6156G>T on transcript NM_004369.4 (MANE Select); coding-DNA position 6156, G replaced by T.
Protein change: p.Lys2052Asn; replaces lysine 2052 with asparagine.
Molecular consequence: missense variant.
Genome position (GRCh38, 1-based): chr2:237,361,739, C>A on the plus strand (G>T on the coding strand, the complement: COL6A3 is on the minus strand). VCF-style: chr2-237361739-C-A. GRCh37 (hg19) VCF-style: chr2-238270382-C-A.
Other names: c.4335G>T, p.Lys1445Asn (NM_057166.5); c.5538G>T, p.Lys1846Asn (NM_057167.4); short protein forms K2052N, K1846N, K1445N.
Identifiers: ClinVar variation 937877 (VCV000937877.8), dbSNP rs398124125, ClinGen allele CA351217638.